The following is an entry in ClinVar:

ClinVar aggregate classification (germline): Uncertain significance. Review status: criteria provided, multiple submitters, no conflicts (2 of 4 stars). 4 submissions from 4 submitters: Uncertain significance (4). Last evaluated 2025-10-07.

Conditions:
Inborn genetic diseases. Identifiers: MedGen C0950123, MeSH D030342.
MSRB3-related disorder. Also called: MSRB3-related condition.

Allele frequency attached by ClinVar (database versions not stated): gnomAD 0.00003; TOPMed 0.00006.
gnomAD v4.1: 83 of 1,612,410 alleles (0.0051%); highest among the groups gnomAD compares: African/African-American, 0.0053%; no homozygotes.

Submissions (4):

Labcorp Genetics (formerly Invitae), Labcorp
Classification: Uncertain significance. Last evaluated: 2025-10-07. Review status: criteria provided, single submitter. Criteria: Invitae Variant Classification Sherloc (09022015). Collection method: clinical testing. Allele origin: germline.
Comment: This sequence change replaces serine, which is neutral and polar, with leucine, which is neutral and non-polar, at codon 34 of the MSRB3 protein (p.Ser34Leu). This variant is present in population databases (rs370812570, gnomAD 0.03%). This variant has not been reported in the literature in individuals affected with MSRB3-related conditions. ClinVar contains an entry for this variant (Variation ID: 548702). An algorithm developed to predict the effect of missense changes on protein structure and function (PolyPhen-2) suggests that this variant is likely to be disruptive. In summary, the available evidence is currently insufficient to determine the role of this variant in disease. Therefore, it has been classified as a Variant of Uncertain Significance.

PreventionGenetics, part of Exact Sciences
Classification: Uncertain significance for MSRB3-related condition. Last evaluated: 2025-02-01. Review status: criteria provided, single submitter. Criteria: ACMG Guidelines, 2015. Collection method: clinical testing. Allele origin: germline.
Comment: The MSRB3 c.101C>T variant is predicted to result in the amino acid substitution p.Ser34Leu. To our knowledge, this variant has not been reported in the literature. This variant is reported in 0.032% of alleles in individuals of European (Finnish) descent in gnomAD. At this time, the clinical significance of this variant is uncertain due to the absence of conclusive functional and genetic evidence.

GeneDx
Classification: Uncertain significance. Last evaluated: 2025-01-08. Review status: criteria provided, single submitter. Criteria: GeneDx Variant Classification Process June 2021. Collection method: clinical testing. Allele origin: germline. Affected: yes.
Comment: In silico analysis indicates that this missense variant does not alter protein structure/function; Has not been previously published as pathogenic or benign to our knowledge

Ambry Genetics
Classification: Uncertain significance for Inborn genetic diseases. Last evaluated: 2024-02-12. Review status: criteria provided, single submitter. Criteria: Ambry Variant Classification Scheme 2023. Collection method: clinical testing. Allele origin: germline.

NM_001031679.3(MSRB3):c.80C>T (p.Ser27Leu)

Gene: MSRB3 (methionine sulfoxide reductase B3; plus strand). Cytogenetic location: 12q14.3.
Variant type: single nucleotide variant.
Coding change: c.80C>T on transcript NM_001031679.3 (MANE Select); coding-DNA position 80, C replaced by T.
Protein change: p.Ser27Leu; replaces serine 27 with leucine.
Molecular consequence: missense variant.
Genome position (GRCh38, 1-based): chr12:65,326,829, C>T. VCF-style: chr12-65326829-C-T. GRCh37 (hg19) VCF-style: chr12-65720609-C-T.
Other names: c.101C>T (NM_198080.3); c.80C>T, p.Ser27Leu (NM_001193460.2, NM_001193461.2); c.101C>T, p.Ser34Leu (NM_198080.4); short protein forms S27L, S34L.
Identifiers: ClinVar variation 548702 (VCV000548702.7), dbSNP rs370812570, ClinGen allele CA6671386.
Genomic context (GRCh38, chr12:65,326,829, plus strand): 5'-AATTATTTAGGATTCAAGCTAAAAAGGCTTCTTCTCCCATATCCTCTCTCTTTTCAGGGT[C>T]GTGTAGGGATAAAAAGAACTGTAAGGTGGTCTTTTCCCAGCAGGAACTGAGGAAGCGGCT-3'
Protein context (NP_001026849.1, residues 17-37): ALRACGLPSG[Ser27Leu]CRDKKNCKVV